The following is an entry in ClinVar:

NM_001378183.1(PIEZO2):c.7034C>G (p.Pro2345Arg)

Gene: PIEZO2 (piezo type mechanosensitive ion channel component 2; minus strand). Cytogenetic location: 18p11.22.
Variant type: single nucleotide variant.
Coding change: c.7034C>G on transcript NM_001378183.1 (MANE Select); coding-DNA position 7034, C replaced by G.
Protein change: p.Pro2345Arg; replaces proline 2345 with arginine.
Molecular consequence: missense variant.
Genome position (GRCh38, 1-based): chr18:10,696,230, G>C on the plus strand (C>G on the coding strand, the complement: PIEZO2 is on the minus strand). VCF-style: chr18-10696230-G-C. GRCh37 (hg19) VCF-style: chr18-10696228-G-C.
Other names: c.6770C>G, p.Pro2257Arg (NM_001410871.1); c.6695C>G, p.Pro2232Arg (NM_022068.4); short protein forms P2232R, P2257R, P2345R.
Identifiers: ClinVar variation 3338509 (VCV003338509.1).

ClinVar aggregate classification (germline): Likely pathogenic (1 of 4 stars; one submission).

Conditions:
PIEZO2-related disorder. Also called: PIEZO2-related condition; PIEZO2-related disorders.

Submission:

Greenwood Genetic Center Diagnostic Laboratories, Greenwood Genetic Center
Classification: Likely pathogenic for PIEZO2-related disorder. Last evaluated: 2024-04-04. Review status: criteria provided, single submitter. Criteria: ACMG Guidelines, 2015. Collection method: clinical testing. Allele origin: germline. Affected: yes.
Comment: PS2, PM2, PP2, PP3